The following is an entry in ClinVar:

ClinVar aggregate classification (germline): Uncertain significance (1 of 4 stars; one submission).

Conditions:
Hereditary cancer-predisposing syndrome. Also called: Tumor predisposition; Hereditary neoplastic syndrome; Hereditary Cancer Syndrome; Neoplastic Syndromes, Hereditary. Identifiers: Orphanet 140162, MedGen C0027672, MeSH D009386, MONDO:0015356.

Submission:

Ambry Genetics
Classification: Uncertain significance for Hereditary cancer-predisposing syndrome. Last evaluated: 2025-04-06. Review status: criteria provided, single submitter. Criteria: Ambry Variant Classification Scheme 2023. Collection method: clinical testing. Allele origin: germline.
Comment: The p.E448V variant (also known as c.1343A>T), located in coding exon 9 of the RAD50 gene, results from an A to T substitution at nucleotide position 1343. The glutamic acid at codon 448 is replaced by valine, an amino acid with dissimilar properties. This amino acid position is conserved. In addition, this alteration is predicted to be tolerated by in silico analysis. Based on the available evidence, the clinical significance of this variant remains unclear.

NM_005732.4(RAD50):c.1343A>T (p.Glu448Val)

Gene: RAD50 (RAD50 double strand break repair protein; plus strand). Cytogenetic location: 5q31.1.
Variant type: single nucleotide variant.
Coding change: c.1343A>T on transcript NM_005732.4 (MANE Select); coding-DNA position 1343, A replaced by T.
Protein change: p.Glu448Val; replaces glutamic acid 448 with valine.
Molecular consequence: missense variant.
Genome position (GRCh38, 1-based): chr5:132,589,728, A>T. VCF-style: chr5-132589728-A-T. GRCh37 (hg19) VCF-style: chr5-131925420-A-T.
Other names: short protein forms E448V.
Identifiers: ClinVar variation 3942164 (VCV003942164.1).